The following is an entry in ClinVar:

NM_002137.4(HNRNPA2B1):c.330T>C (p.Asp110=)

Gene: HNRNPA2B1 (heterogeneous nuclear ribonucleoprotein A2/B1; minus strand). Cytogenetic location: 7p15.2.
Variant type: single nucleotide variant.
Coding change: c.330T>C on transcript NM_002137.4 (MANE Select); coding-DNA position 330, T replaced by C.
Protein change: p.Asp110=; no amino-acid change (aspartic acid 110 retained).
Molecular consequence: synonymous variant.
Genome position (GRCh38, 1-based): chr7:26,196,952, A>G on the plus strand (T>C on the coding strand, the complement: HNRNPA2B1 is on the minus strand). VCF-style: chr7-26196952-A-G. GRCh37 (hg19) VCF-style: chr7-26236572-A-G.
Other names: p.Asp122=; c.366T>C, p.Asp122= (NM_031243.4).
Identifiers: ClinVar variation 772754 (VCV000772754.15), dbSNP rs191937523, ClinGen allele CA4194684.

ClinVar aggregate classification (germline): Likely benign. Review status: criteria provided, multiple submitters, no conflicts (2 of 4 stars). 4 submissions from 4 submitters: Likely benign (3). 1 of the submissions does not count toward it. Last evaluated 2026-01-27.

Conditions:
HNRNPA2B1-related disorder. Also called: HNRNPA2B1-related condition.
Inclusion body myopathy with early-onset Paget disease with or without frontotemporal dementia 2 (IBMPFD2). Also called: MULTISYSTEM PROTEINOPATHY 2. Identifiers: MedGen C3809468, MONDO:0014178, OMIM 615422.

Allele frequency attached by ClinVar (database versions not stated): ExAC 0.00002; gnomAD exomes 0.00004 and 0.00001; 1000 Genomes Project 30x 0.00078; gnomAD 0.00017; 1000 Genomes Project 0.00060; TOPMed 0.00035.
gnomAD v4.1: 53 of 1,613,880 alleles (0.0033%); highest among the groups gnomAD compares: Admixed American, 0.063%; no homozygotes.

Submissions (4):

Labcorp Genetics (formerly Invitae), Labcorp
Classification: Likely benign for Inclusion body myopathy with early-onset Paget disease with or without frontotemporal dementia 2. Last evaluated: 2026-01-27. Review status: criteria provided, single submitter. Criteria: Invitae Variant Classification Sherloc (09022015). Collection method: clinical testing. Allele origin: germline.

Mayo Clinic Laboratories, Mayo Clinic
Classification: Likely benign. Last evaluated: 2025-05-20. Review status: criteria provided, single submitter. Criteria: ACMG Guidelines, 2015. Collection method: clinical testing. Allele origin: germline. Observed: 1 variant allele.
Comment: BP4, BP7

Breakthrough Genomics
Classification: Likely benign. Review status: criteria provided, single submitter. Criteria: ACMG Guidelines, 2015. Collection method: not provided. Allele origin: germline. Inheritance: Autosomal dominant inheritance. Affected: yes.

PreventionGenetics, part of Exact Sciences
Classification: Likely benign for HNRNPA2B1-related condition. Last evaluated: 2022-03-16. Review status: no assertion criteria provided. Collection method: clinical testing. Allele origin: germline. Not counted in ClinVar's aggregate classification.
Comment: This variant is classified as likely benign based on ACMG/AMP sequence variant interpretation guidelines (Richards et al. 2015 PMID: 25741868, with internal and published modifications).